The following is an entry in ClinVar:

ClinVar aggregate classification (germline): Uncertain significance. Review status: criteria provided, multiple submitters, no conflicts (2 of 4 stars). 2 submissions from 2 submitters: Uncertain significance (2). Last evaluated 2024-05-07.

Submissions (2):

GeneDx
Classification: Uncertain significance. Last evaluated: 2024-05-07. Review status: criteria provided, single submitter. Criteria: GeneDx Variant Classification Process June 2021. Collection method: clinical testing. Allele origin: germline. Affected: yes.
Comment: Not observed at significant frequency in large population cohorts (gnomAD); In silico analysis supports that this missense variant has a deleterious effect on protein structure/function; Has not been previously published as pathogenic or benign to our knowledge

Blueprint Genetics
Classification: Uncertain significance. Last evaluated: 2023-02-06. Review status: criteria provided, single submitter. Criteria: ACMG Guidelines, 2015. Collection method: clinical testing. Allele origin: germline.

NM_001378969.1(KCND3):c.943A>G (p.Lys315Glu)

Gene: KCND3 (potassium voltage-gated channel subfamily D member 3; minus strand). Cytogenetic location: 1p13.2.
Variant type: single nucleotide variant.
Coding change: c.943A>G on transcript NM_001378969.1 (MANE Select); coding-DNA position 943, A replaced by G.
Protein change: p.Lys315Glu; replaces lysine 315 with glutamic acid.
Molecular consequence: missense variant.
Genome position (GRCh38, 1-based): chr1:111,981,784, T>C on the plus strand (A>G on the coding strand, the complement: KCND3 is on the minus strand). VCF-style: chr1-111981784-T-C. GRCh37 (hg19) VCF-style: chr1-112524406-T-C.
Other names: c.943A>G, p.Lys315Glu (NM_001378970.1, NM_004980.5, NM_172198.3); short protein forms K315E.
Identifiers: ClinVar variation 3375640 (VCV003375640.2).